The following is an entry in ClinVar:

NM_000268.4(NF2):c.1611G>T (p.Glu537Asp)

Gene: NF2 (NF2, moesin-ezrin-radixin like (MERLIN) tumor suppressor; plus strand). Cytogenetic location: 22q12.2.
Variant type: single nucleotide variant.
Coding change: c.1611G>T on transcript NM_000268.4 (MANE Select); coding-DNA position 1611, G replaced by T.
Protein change: p.Glu537Asp; replaces glutamic acid 537 with aspartic acid.
Molecular consequence: missense variant. On other transcripts: non-coding transcript variant (1), intron variant (1).
Genome position (GRCh38, 1-based): chr22:29,681,475, G>T. VCF-style: chr22-29681475-G-T. GRCh37 (hg19) VCF-style: chr22-30077464-G-T.
Other names: c.1611G>T, p.Glu537Asp (NM_016418.5, NM_181825.3, NM_181832.3); c.1485G>T, p.Glu495Asp (NM_181828.3); c.1488G>T, p.Glu496Asp (NM_181829.3); c.1362G>T, p.Glu454Asp (NM_181830.3, NM_181831.3); c.448-13277G>T (NM_181833.3); short protein forms E537D, E496D, E495D, E454D.
Identifiers: ClinVar variation 567902 (VCV000567902.14), dbSNP rs946609084, ClinGen allele CA411150072.

ClinVar aggregate classification (germline): Uncertain significance. Review status: criteria provided, multiple submitters, no conflicts (2 of 4 stars). 2 submissions from 2 submitters: Uncertain significance (2). Last evaluated 2025-01-30.

Conditions:
Hereditary cancer-predisposing syndrome. Also called: Tumor predisposition; Neoplastic Syndromes, Hereditary; Hereditary neoplastic syndrome; Hereditary Cancer Syndrome. Identifiers: Orphanet 140162, MedGen C0027672, MeSH D009386, MONDO:0015356.
Neurofibromatosis, type 2 (SWNV). Also called: NF2-Related Schwannomatosis; BILATERAL ACOUSTIC NEUROFIBROMATOSIS; SCHWANNOMATOSIS, VESTIBULAR. Identifiers: Orphanet 637, MedGen C0027832, MONDO:0007039, OMIM 101000. Disease mechanism: loss of function.

Submissions (2):

Labcorp Genetics (formerly Invitae), Labcorp
Classification: Uncertain significance for Neurofibromatosis, type 2. Last evaluated: 2025-01-30. Review status: criteria provided, single submitter. Criteria: Invitae Variant Classification Sherloc (09022015). Collection method: clinical testing. Allele origin: germline.
Comment: This sequence change replaces glutamic acid, which is acidic and polar, with aspartic acid, which is acidic and polar, at codon 537 of the NF2 protein (p.Glu537Asp). This variant is not present in population databases (gnomAD no frequency). This variant has not been reported in the literature in individuals affected with NF2-related conditions. ClinVar contains an entry for this variant (Variation ID: 567902). Invitae Evidence Modeling of protein sequence and biophysical properties (such as structural, functional, and spatial information, amino acid conservation, physicochemical variation, residue mobility, and thermodynamic stability) indicates that this missense variant is not expected to disrupt NF2 protein function with a negative predictive value of 80%. In summary, the available evidence is currently insufficient to determine the role of this variant in disease. Therefore, it has been classified as a Variant of Uncertain Significance.

Ambry Genetics
Classification: Uncertain significance for Hereditary cancer-predisposing syndrome. Last evaluated: 2024-06-26. Review status: criteria provided, single submitter. Criteria: Ambry Variant Classification Scheme 2023. Collection method: clinical testing. Allele origin: germline.
Comment: The p.E537D variant (also known as c.1611G>T), located in coding exon 15 of the NF2 gene, results from a G to T substitution at nucleotide position 1611. The glutamic acid at codon 537 is replaced by aspartic acid, an amino acid with highly similar properties. This amino acid position is highly conserved in available vertebrate species. In addition, this alteration is predicted to be tolerated by in silico analysis. Based on the available evidence, the clinical significance of this variant remains unclear.